The following is an entry in ClinVar:

ClinVar aggregate classification (germline): Uncertain significance (1 of 4 stars; one submission).

Conditions:
Werner syndrome (WRN). Identifiers: Orphanet 902, MedGen C0043119, MONDO:0010196, OMIM 277700.

Submission:

Labcorp Genetics (formerly Invitae), Labcorp
Classification: Uncertain significance for Werner syndrome. Last evaluated: 2023-04-15. Review status: criteria provided, single submitter. Criteria: Invitae Variant Classification Sherloc (09022015). Collection method: clinical testing. Allele origin: germline.
Comment: In summary, the available evidence is currently insufficient to determine the role of this variant in disease. Therefore, it has been classified as a Variant of Uncertain Significance. Experimental studies and prediction algorithms are not available or were not evaluated, and the functional significance of this variant is currently unknown. This variant has not been reported in the literature in individuals affected with WRN-related conditions. This variant is a gross deletion of the genomic region encompassing exon(s) 32 of the WRN gene. This variant would be expected to be in-frame, preserving the integrity of the reading frame.

NC_000008.11:g.(?_31154614)_(31154765_?)del

Gene: WRN (WRN RecQ like helicase; plus strand). Cytogenetic location: 8p12.
Variant type: Deletion.
Identifiers: ClinVar variation 656305 (VCV000656305.7).